The following is an entry in ClinVar:

NM_001164508.2(NEB):c.20131C>T (p.Arg6711Trp)

Gene: NEB (nebulin; minus strand). Cytogenetic location: 2q23.3.
Variant type: single nucleotide variant.
Coding change: c.20131C>T on transcript NM_001164508.2 (MANE Select); coding-DNA position 20131, C replaced by T.
Protein change: p.Arg6711Trp; replaces arginine 6711 with tryptophan.
Molecular consequence: missense variant.
Genome position (GRCh38, 1-based): chr2:151,548,334, G>A on the plus strand (C>T on the coding strand, the complement: NEB is on the minus strand). VCF-style: chr2-151548334-G-A. GRCh37 (hg19) VCF-style: chr2-152404848-G-A.
Other names: c.20131C>T, p.Arg6711Trp (NM_001164507.2, NM_001271208.2); c.15028C>T, p.Arg5010Trp (NM_004543.5); short protein forms R6711W, R5010W.
Identifiers: ClinVar variation 554904 (VCV000554904.24), dbSNP rs533233215, ClinGen allele CA1907431.

ClinVar aggregate classification (germline): Conflicting classifications of pathogenicity. Review status: criteria provided, conflicting classifications (1 of 4 stars). 11 submissions from 11 submitters: Uncertain significance (8); Likely benign (1). 2 of the submissions do not count toward it. Last evaluated 2026-01-22.

Conditions:
Arthrogryposis multiplex congenita 6. Identifiers: MedGen C5543431, MONDO:0030281, OMIM 619334.
Nemaline myopathy 2 (NEM2). Also called: Nemaline myopathy 2, autosomal recessive. Identifiers: MedGen C1850569, MONDO:0009725, OMIM 256030.

Allele frequency attached by ClinVar (database versions not stated): gnomAD 0.00003 and 0.00004; TOPMed 0.00003; ExAC 0.00005.
gnomAD v4.1: 119 of 1,613,122 alleles (0.0074%); highest among the groups gnomAD compares: East Asian, 0.18%; no homozygotes.

Submissions (11):

3billion
Classification: Uncertain significance for Nemaline myopathy 2. Last evaluated: 2026-01-22. Review status: criteria provided, single submitter. Criteria: ACMG Guidelines, 2015. Collection method: clinical testing. Allele origin: germline. Affected: yes.
Comment: The variant is observed at an extremely low frequency in the gnomAD v4.1.0 dataset (total allele frequency: 0.007%). Predicted Consequence/Location: Missense variant In silico tool predictions suggest no damaging effect of the variant on gene or gene product [REVEL: 0.27 (<0.4); 3Cnet: 0.00 (<0.1, specificity 0.84 and negative predicitive value 0.97)]. The same nucleotide change resulting in the same amino acid change has been previously reported to be associated with NEB-related disorder (PMID: 28131200). However, the evidence of pathogenicity is insufficient at this time. Therefore, this variant is classified as VUS according to the recommendation of ACMG/AMP guideline.

GeneDx
Classification: Uncertain significance. Last evaluated: 2025-03-20. Review status: criteria provided, single submitter. Criteria: GeneDx Variant Classification Process June 2021. Collection method: clinical testing. Allele origin: germline. Affected: yes.
Comment: In silico analysis supports that this missense variant has a deleterious effect on protein structure/function; This variant is associated with the following publications: (PMID: 34426522, 30467404, 28131200, 29070751, 32222963)

Blueprint Genetics
Classification: Uncertain significance. Last evaluated: 2024-10-31. Review status: criteria provided, single submitter. Criteria: ACMG Guidelines, 2015. Collection method: clinical testing. Allele origin: germline.

Labcorp Genetics (formerly Invitae), Labcorp
Classification: Likely benign for Nemaline myopathy 2. Last evaluated: 2024-10-17. Review status: criteria provided, single submitter. Criteria: Invitae Variant Classification Sherloc (09022015). Collection method: clinical testing. Allele origin: germline.

Baylor Genetics
Classification: Uncertain significance for Arthrogryposis multiplex congenita 6. Last evaluated: 2023-11-22. Review status: criteria provided, single submitter. Criteria: ACMG Guidelines, 2015. Collection method: clinical testing. Allele origin: unknown.

Women's Health and Genetics/Laboratory Corporation of America, LabCorp
Classification: Uncertain significance. Last evaluated: 2022-12-02. Review status: criteria provided, single submitter. Criteria: LabCorp Variant Classification Summary - May 2015. Collection method: clinical testing. Allele origin: germline.
Comment: Variant summary: NEB c.20131C>T (p.Arg6711Trp) results in a non-conservative amino acid change in the encoded protein sequence. Three of four in-silico tools predict a damaging effect of the variant on protein function. The variant allele was found at a frequency of 3.6e-05 in 248902 control chromosomes (gnomAD). In addition, the variant was reported at an allele frequency of 0.003551 in 77438 control chromosomes from the Japanese population, including 1 homozygote (jMorp database). This frequency is approximately equal to the estimated maximal expected allele frequency for a pathogenic variant in NEB causing Nemaline Myopathy 2 phenotype (0.0035), suggesting that the variant may be a benign polymorphism. c.20131C>T has been reported in the literature in individuals affected with Nemaline Myopathy (Tsunoda_2017, Mizuno_2017, Hamanaka_2019, Wang_2020). However in several patients, the variant was concluded to likely occur in cis with a likely pathogenic synonymous variant (c.24684G>C, p.Ser8228=) demonstrated to cause aberrant splicing (Hamanaka_2019). These reports do not provide unequivocal conclusions about association of the variant with Nemaline Myopathy 2. To our knowledge, no experimental evidence demonstrating an impact on protein function has been reported. Four clinical diagnostic laboratories have submitted clinical-significance assessments for this variant to ClinVar after 2014 and classified the variant as uncertain significance. Based on the evidence outlined above, the variant was classified as uncertain significance.

Revvity Omics, Revvity
Classification: Uncertain significance. Last evaluated: 2020-04-30. Review status: criteria provided, single submitter. Criteria: ACMG Guidelines, 2015. Collection method: clinical testing. Allele origin: germline.

Illumina Laboratory Services, Illumina
Classification: Uncertain significance for Nemaline myopathy 2. Last evaluated: 2018-01-13. Review status: criteria provided, single submitter. Criteria: ICSL Variant Classification Criteria 13 December 2019. Collection method: clinical testing. Allele origin: germline.

Juno Genomics, Hangzhou Juno Genomics, Inc
Classification: Uncertain significance for Nemaline myopathy 2; Arthrogryposis multiplex congenita 6. Review status: criteria provided, single submitter. Criteria: ACMG Guidelines, 2015. Collection method: clinical testing. Allele origin: germline.
Comment: For recessive disorders, detected in trans with a pathogenic variant.

Natera, Inc.
Classification: Uncertain significance for Nemaline myopathy type 2. Last evaluated: 2020-09-16. Review status: no assertion criteria provided. Collection method: clinical testing. Allele origin: germline. Not counted in ClinVar's aggregate classification.

Counsyl
Classification: Uncertain significance for Nemaline myopathy 2. Last evaluated: 2017-11-08. Review status: no assertion criteria provided. Collection method: clinical testing. Allele origin: unknown. Not counted in ClinVar's aggregate classification.

Literature cited by the submitters: PubMed 28131200 (cited by 3 submitters); PubMed 30467404 (cited by Women's Health and Genetics/Laboratory Corporation of America, LabCorp); PubMed 32222963 (cited by Women's Health and Genetics/Laboratory Corporation of America, LabCorp); PubMed 29070751 (cited by Women's Health and Genetics/Laboratory Corporation of America, LabCorp).